The following is an entry in ClinVar:

NM_002458.3(MUC5B):c.6581T>C (p.Met2194Thr)

Genes: MUC5B (mucin 5B, oligomeric mucus/gel-forming; plus strand), MUC5B-AS1 (MUC5B antisense RNA 1; minus strand). Cytogenetic location: 11p15.5.
Variant type: single nucleotide variant.
Coding change: c.6581T>C on transcript NM_002458.3 (MANE Select); coding-DNA position 6581, T replaced by C.
Protein change: p.Met2194Thr; replaces methionine 2194 with threonine.
Molecular consequence: missense variant.
Genome position (GRCh38, 1-based): chr11:1,243,461, T>C. VCF-style: chr11-1243461-T-C. GRCh37 (hg19) VCF-style: chr11-1264691-T-C.
Other names: short protein forms M2194T.
Identifiers: ClinVar variation 403137 (VCV000403137.7), dbSNP rs2943502, ClinGen allele CA5806047.
Genomic context (GRCh38, chr11:1,243,461, plus strand): 5'-ACACAGTGACTCCCTCCTCTGCCCTAGGGACCACCCACACACCCCCAGTGCCGAACACCA[T>C]GGCCACCACACACGGGCGATCCCTGCCCCCCAGCAGTCCCCACACGGTGCGCACAGCCTG-3'
Protein context (NP_002449.2, residues 2184-2204): TTHTPPVPNT[Met2194Thr]ATTHGRSLPP

ClinVar aggregate classification (germline): Benign. Review status: criteria provided, multiple submitters, no conflicts (2 of 4 stars). 3 submissions from 3 submitters: Benign (3). Last evaluated 2018-11-12.

Allele frequency attached by ClinVar (database versions not stated): ESP Exome Variant Server 0.60065; gnomAD 0.73017; 1000 Genomes Project 0.81070; 1000 Genomes Project 30x 0.82651.
gnomAD v4.1: 853,664 of 1,365,212 alleles (63%); highest among the groups gnomAD compares: East Asian, 98%; 339,665 homozygotes.

Submissions (3):

GeneDx
Classification: Benign. Last evaluated: 2018-11-12. Review status: criteria provided, single submitter. Criteria: GeneDx Variant Classification Process June 2021. Collection method: clinical testing. Allele origin: germline. Affected: yes.

Laboratory for Molecular Medicine, Mass General Brigham Personalized Medicine
Classification: Benign. Last evaluated: 2016-03-28. Review status: criteria provided, single submitter. Criteria: LMM Criteria. Collection method: clinical testing. Allele origin: germline.
Comment: Variant identified in a genome or exome case(s) and assessed due to predicted null impact of the variant or pathogenic assertions in the literature or databases. Disclaimer: This variant has not undergone full assessment. The following are preliminary notes: Frequency

Breakthrough Genomics
Classification: Benign. Review status: criteria provided, single submitter. Criteria: ACMG Guidelines, 2015. Collection method: not provided. Allele origin: germline. Inheritance: Autosomal dominant inheritance. Affected: yes.